The following is an entry in ClinVar:

ClinVar aggregate classification (germline): Uncertain significance. Review status: criteria provided, multiple submitters, no conflicts (2 of 4 stars). 2 submissions from 2 submitters: Uncertain significance (2). Last evaluated 2025-09-05.

Conditions:
Primary familial hypertrophic cardiomyopathy (HCM). Identifiers: Orphanet 99739, MedGen C0949658, MeSH D024741, MONDO:0024573. Inheritance: Various modes of inheritance.

Allele frequency attached by ClinVar (database versions not stated): TOPMed below 0.00001; gnomAD 0.00001; gnomAD exomes 0.00001; ExAC 0.00002.
gnomAD v4.1: 10 of 1,614,204 alleles (0.00062%); highest among the groups gnomAD compares: East Asian, 0.016%; no homozygotes.

Submissions (2):

Ambry Genetics
Classification: Uncertain significance. Last evaluated: 2025-09-05. Review status: criteria provided, single submitter. Criteria: Ambry Variant Classification Scheme 2023. Collection method: clinical testing. Allele origin: germline.

Labcorp Genetics (formerly Invitae), Labcorp
Classification: Uncertain significance for Primary familial hypertrophic cardiomyopathy. Last evaluated: 2024-01-17. Review status: criteria provided, single submitter. Criteria: Invitae Variant Classification Sherloc (09022015). Collection method: clinical testing. Allele origin: germline.
Comment: This sequence change replaces lysine, which is basic and polar, with arginine, which is basic and polar, at codon 341 of the ILK protein (p.Lys341Arg). This variant is present in population databases (rs781099551, gnomAD 0.02%). This variant has not been reported in the literature in individuals affected with ILK-related conditions. ClinVar contains an entry for this variant (Variation ID: 1351868). An algorithm developed to predict the effect of missense changes on protein structure and function (PolyPhen-2) suggests that this variant is likely to be tolerated. In summary, the available evidence is currently insufficient to determine the role of this variant in disease. Therefore, it has been classified as a Variant of Uncertain Significance.

NM_004517.4(ILK):c.1022A>G (p.Lys341Arg)

Genes: ILK (integrin linked kinase; plus strand), TAF10 (TATA-box binding protein associated factor 10; minus strand). Cytogenetic location: 11p15.4.
Variant type: single nucleotide variant.
Coding change: c.1022A>G on transcript NM_004517.4 (MANE Select); coding-DNA position 1022, A replaced by G.
Protein change: p.Lys341Arg; replaces lysine 341 with arginine.
Molecular consequence: missense variant. On other transcripts: 3 prime UTR variant (1).
Genome position (GRCh38, 1-based): chr11:6,609,979, A>G. VCF-style: chr11-6609979-A-G. GRCh37 (hg19) VCF-style: chr11-6631210-A-G.
Other names: c.1022A>G, p.Lys341Arg (NM_001014794.3, NM_001014795.3); c.839A>G, p.Lys280Arg (NM_001278441.2); c.620A>G, p.Lys207Arg (NM_001278442.2); c.*943T>C (NM_006284.4); short protein forms K207R, K280R, K341R.
Identifiers: ClinVar variation 1351868 (VCV001351868.9), dbSNP rs781099551, ClinGen allele CA5858250.